The following is an entry in ClinVar:

NM_007194.4(CHEK2):c.-7+286A>T

Gene: CHEK2 (checkpoint kinase 2; minus strand). Cytogenetic location: 22q12.1.
Variant type: single nucleotide variant.
Coding change: c.-7+286A>T on transcript NM_007194.4 (MANE Select); 286 bases into the intron after 7 bases upstream of the start codon, A replaced by T.
Molecular consequence: intron variant.
Genome position (GRCh38, 1-based): chr22:28,741,483, T>A on the plus strand (A>T on the coding strand, the complement: CHEK2 is on the minus strand). VCF-style: chr22-28741483-T-A. GRCh37 (hg19) VCF-style: chr22-29137471-T-A.
Other names: c.-345+286A>T (NM_001437942.1); c.-7+286A>T (NM_001349956.3, NM_145862.3, NM_001438295.1 and 3 more transcripts); c.-784+286A>T (NM_001257387.3).
Identifiers: ClinVar variation 679800 (VCV000679800.1), dbSNP rs17879734, ClinGen allele CA323002865.

ClinVar aggregate classification (germline): Benign (1 of 4 stars; one submission).

Allele frequency attached by ClinVar (database versions not stated): 1000 Genomes Project 0.02077; gnomAD 0.02131; TOPMed 0.02181; 1000 Genomes Project 30x 0.02280.
gnomAD v4.1: 3,062 of 152,228 alleles (2%); highest among the groups gnomAD compares: African/African-American, 7%; 105 homozygotes.

Submission:

GeneDx
Classification: Benign. Last evaluated: 2018-06-18. Review status: criteria provided, single submitter. Criteria: GeneDx Variant Classification (06012015). Collection method: clinical testing. Allele origin: germline. Affected: yes.
Comment: This variant is considered likely benign or benign based on one or more of the following criteria: it is a conservative change, it occurs at a poorly conserved position in the protein, it is predicted to be benign by multiple in silico algorithms, and/or has population frequency not consistent with disease.